The following is an entry in ClinVar:

NM_006648.4(WNK2):c.1487T>C (p.Ile496Thr)

Gene: WNK2 (WNK lysine deficient protein kinase 2; plus strand). Cytogenetic location: 9q22.31.
Variant type: single nucleotide variant.
Coding change: c.1487T>C on transcript NM_006648.4 (MANE Select); coding-DNA position 1487, T replaced by C.
Protein change: p.Ile496Thr; replaces isoleucine 496 with threonine.
Molecular consequence: missense variant.
Genome position (GRCh38, 1-based): chr9:93,239,921, T>C. VCF-style: chr9-93239921-T-C. GRCh37 (hg19) VCF-style: chr9-96002203-T-C.
Other names: c.1487T>C, p.Ile496Thr (NM_001282394.3); short protein forms I496T.
Identifiers: ClinVar variation 4605194 (VCV004605194.1).

ClinVar aggregate classification (germline): Uncertain significance (1 of 4 stars; one submission).

Submission:

Ambry Genetics
Classification: Uncertain significance. Last evaluated: 2025-09-27. Review status: criteria provided, single submitter. Criteria: Ambry Variant Classification Scheme 2023. Collection method: clinical testing. Allele origin: germline.
Comment: The p.I496T variant (also known as c.1487T>C), located in coding exon 6 of the WNK2 gene, results from a T to C substitution at nucleotide position 1487. The isoleucine at codon 496 is replaced by threonine, an amino acid with similar properties. This amino acid position is conserved. In addition, this alteration is predicted to be deleterious by in silico analysis. Based on the available evidence, the clinical significance of this variant remains unclear.